The following is an entry in ClinVar:

NM_153603.4(COG7):c.1137+8C>T

Gene: COG7 (component of oligomeric golgi complex 7; minus strand). Cytogenetic location: 16p12.2.
Variant type: single nucleotide variant.
Coding change: c.1137+8C>T on transcript NM_153603.4 (MANE Select); 8 bases into the intron after coding-DNA position 1137, C replaced by T.
Molecular consequence: intron variant.
Genome position (GRCh38, 1-based): chr16:23,418,692, G>A on the plus strand (C>T on the coding strand, the complement: COG7 is on the minus strand). VCF-style: chr16-23418692-G-A. GRCh37 (hg19) VCF-style: chr16-23430013-G-A.
Identifiers: ClinVar variation 389617 (VCV000389617.10), dbSNP rs75523257, ClinGen allele CA7961079.
Genomic context (GRCh38, chr16:23,418,692, plus strand): 5'-CCCAGACGTGGCCAAGACCCTGGCTAACAGAATGCTTCCTCAGTGGCCCCAGGACACTGC[G>A]ACTTTACCAGAGGCACAGCACTCATCTGGATGAGGAGGTTGCTCTCTTCCATGTCGCCAT-3'

ClinVar aggregate classification (germline): Benign/Likely benign. Review status: criteria provided, multiple submitters, no conflicts (2 of 4 stars). 3 submissions from 3 submitters: Benign (1); Likely benign (1). 1 of the submissions does not count toward it. Last evaluated 2026-01-12.

Conditions:
COG7-related disorder. Also called: COG7-related condition.
COG7 congenital disorder of glycosylation (CDG2E). Also called: CONGENITAL DISORDER OF GLYCOSYLATION, TYPE IIe; CDG IIe. Identifiers: Orphanet 79333, MedGen C2931010, MONDO:0012118, OMIM 608779.

Allele frequency attached by ClinVar (database versions not stated): gnomAD exomes 0.00007 and 0.00016; ExAC 0.00021; TOPMed 0.00068; gnomAD 0.00075 and 0.00079; 1000 Genomes Project 30x 0.00094; 1000 Genomes Project 0.00100; ESP Exome Variant Server 0.00115.
gnomAD v4.1: 221 of 1,613,078 alleles (0.014%); highest among the groups gnomAD compares: African/African-American, 0.27%; no homozygotes.

Submissions (3):

Labcorp Genetics (formerly Invitae), Labcorp
Classification: Benign for COG7 congenital disorder of glycosylation. Last evaluated: 2026-01-12. Review status: criteria provided, single submitter. Criteria: Invitae Variant Classification Sherloc (09022015). Collection method: clinical testing. Allele origin: germline.

GeneDx
Classification: Likely benign. Last evaluated: 2016-10-12. Review status: criteria provided, single submitter. Criteria: GeneDx Variant Classification (06012015). Collection method: clinical testing. Allele origin: germline. Affected: yes.
Comment: This variant is considered likely benign or benign based on one or more of the following criteria: it is a conservative change, it occurs at a poorly conserved position in the protein, it is predicted to be benign by multiple in silico algorithms, and/or has population frequency not consistent with disease.

PreventionGenetics, part of Exact Sciences
Classification: Likely benign for COG7-related condition. Last evaluated: 2024-06-22. Review status: no assertion criteria provided. Collection method: clinical testing. Allele origin: germline. Not counted in ClinVar's aggregate classification.
Comment: This variant is classified as likely benign based on ACMG/AMP sequence variant interpretation guidelines (Richards et al. 2015 PMID: 25741868, with internal and published modifications).